The following is an entry in ClinVar:

ClinVar aggregate classification (germline): Uncertain significance (1 of 4 stars; one submission).

Conditions:
Immunodeficiency 91 and hyperinflammation. Identifiers: MedGen C5562073, MONDO:0030491, OMIM 619644.

Allele frequency attached by ClinVar (database versions not stated): gnomAD exomes below 0.00001.
gnomAD v4.1: 4 of 1,364,680 alleles (0.00029%); highest among the groups gnomAD compares: Non-Finnish European, 0.0003%; no homozygotes.

Submission:

Laboratorio de Genetica e Diagnostico Molecular, Hospital Israelita Albert Einstein
Classification: Uncertain significance for Immunodeficiency 91 and hyperinflammation. Last evaluated: 2023-02-03. Review status: criteria provided, single submitter. Criteria: ACMG Guidelines, 2015. Collection method: clinical testing. Allele origin: germline. Affected: yes. Observed: 1 variant allele.
Comment: ACMG classification criteria: PM2 moderated

NM_021035.3(ZNFX1):c.2003-121C>T

Gene: ZNFX1 (zinc finger NFX1-type containing 1; minus strand). Cytogenetic location: 20q13.13.
Variant type: single nucleotide variant.
Coding change: c.2003-121C>T on transcript NM_021035.3 (MANE Select); 121 bases into the intron before coding-DNA position 2003, C replaced by T.
Molecular consequence: intron variant.
Genome position (GRCh38, 1-based): chr20:49,264,985, G>A on the plus strand (C>T on the coding strand, the complement: ZNFX1 is on the minus strand). VCF-style: chr20-49264985-G-A. GRCh37 (hg19) VCF-style: chr20-47881522-G-A.
Identifiers: ClinVar variation 2431448 (VCV002431448.1), dbSNP rs2516777367, ClinGen allele CA2580098263.